The following is an entry in ClinVar:

ClinVar aggregate classification (germline): Likely benign. Review status: criteria provided, multiple submitters, no conflicts (2 of 4 stars). 3 submissions from 3 submitters: Likely benign (2). 1 of the submissions does not count toward it. Last evaluated 2018-06-15.

Conditions:
ABCG1-related disorder. Also called: ABCG1-related condition.

Allele frequency attached by ClinVar (database versions not stated): ESP Exome Variant Server 0.00008; gnomAD 0.00016 and 0.00036; 1000 Genomes Project 0.00020; 1000 Genomes Project 30x 0.00031; TOPMed 0.00032.
gnomAD v4.1: 512 of 1,614,138 alleles (0.032%); highest among the groups gnomAD compares: Middle Eastern, 0.54%; 5 homozygotes.

Submissions (3):

Labcorp Genetics (formerly Invitae), Labcorp
Classification: Likely benign. Last evaluated: 2018-06-15. Review status: criteria provided, single submitter. Criteria: Invitae Variant Classification Sherloc (09022015). Collection method: clinical testing. Allele origin: germline.

Breakthrough Genomics
Classification: Likely benign. Review status: criteria provided, single submitter. Criteria: ACMG Guidelines, 2015. Collection method: not provided. Allele origin: germline. Inheritance: Unknown mechanism. Affected: yes.

PreventionGenetics, part of Exact Sciences
Classification: Likely benign for ABCG1-related condition. Last evaluated: 2019-03-01. Review status: no assertion criteria provided. Collection method: clinical testing. Allele origin: germline. Not counted in ClinVar's aggregate classification.
Comment: This variant is classified as likely benign based on ACMG/AMP sequence variant interpretation guidelines (Richards et al. 2015 PMID: 25741868, with internal and published modifications).

NM_016818.3(ABCG1):c.1929C>T (p.Leu643=)

Gene: ABCG1 (ATP binding cassette subfamily G member 1; plus strand). Cytogenetic location: 21q22.3.
Variant type: single nucleotide variant.
Coding change: c.1929C>T on transcript NM_016818.3 (MANE Select); coding-DNA position 1929, C replaced by T.
Protein change: p.Leu643=; no amino-acid change (leucine 643 retained).
Molecular consequence: synonymous variant.
Genome position (GRCh38, 1-based): chr21:42,296,320, C>T. VCF-style: chr21-42296320-C-T. GRCh37 (hg19) VCF-style: chr21-43716430-C-T.
Other names: c.1965C>T, p.Leu655= (NM_004915.4); c.1962C>T, p.Leu654= (NM_207174.1); c.1935C>T, p.Leu645= (NM_207627.2); c.1863C>T, p.Leu621= (NM_207628.1); c.1920C>T, p.Leu640= (NM_207629.2); c.1965C>T (NM_004915.3).
Identifiers: ClinVar variation 740389 (VCV000740389.6), dbSNP rs200531217, ClinGen allele CA10041604.